The following is an entry in ClinVar:

NM_002055.5(GFAP):c.807_826dup (p.Arg276fs)

Gene: GFAP (glial fibrillary acidic protein; minus strand). Cytogenetic location: 17q21.31.
Variant type: Duplication.
Coding change: c.807_826dup on transcript NM_002055.5 (MANE Select); coding-DNA positions 807 to 826, 20 bases duplicated (CCGCAACGCGGAGCTGCTCC).
Protein change: p.Arg276fs; shifts the reading frame from arginine 276.
Molecular consequence: frameshift variant.
Genome position (GRCh38, 1-based): chr17:44,911,752-44,911,771, GGAGCAGCTCCGCGTTGCGG duplicated on the plus strand (CCGCAACGCGGAGCTGCTCC on the coding strand, the reverse complement: GFAP is on the minus strand); duplicating any 20 consecutive bases within chr17:44,911,752-44,911,772 gives the same sequence; the c. name uses the placement nearest the transcript's 3' end. VCF-style (leftmost placement, unchanged base first): chr17-44911751-C-CGGAGCAGCTCCGCGTTGCGG. GRCh37 (hg19) VCF-style: chr17-42989119-C-CGGAGCAGCTCCGCGTTGCGG.
Other names: NM_002055.5(GFAP):c.807_826dup; p.Arg276fs; c.807_826dup, p.Arg276fs (NM_001131019.3, NM_001242376.3, NM_001363846.2); short protein forms R276fs.
Identifiers: ClinVar variation 2029232 (VCV002029232.5), dbSNP rs2508936008, ClinGen allele CA2580093915.

ClinVar aggregate classification (germline): Uncertain significance. Review status: reviewed by expert panel (3 of 4 stars). 2 submissions from 2 submitters: Uncertain significance (1). 1 of the submissions does not count toward it. Last evaluated 2026-08-18.

Conditions:
Alexander disease (ALXDRD). Also called: Alexander's disease. Identifiers: Orphanet 58, MedGen C0270726, MONDO:0008752, OMIM 203450.

Submissions (2):

ClinGen Leukodystrophy and Leukoencephalopathy Variant Curation Expert Panel, ClinGen
Classification: Uncertain significance for Alexander disease. Last evaluated: 2026-08-18. Review status: reviewed by expert panel. Criteria: ClinGen Leuko ACMG Specifications GFAP V1.0. Collection method: curation. Allele origin: germline. Inheritance: Autosomal dominant inheritance.
Comment: The NM_002055.5(GFAP):c.807_826dup (p.Arg276ProfsTer24) variant in GFAP leads to the duplication of 20 base pairs predicted lead to a frameshift and to cause a premature stop codon 24 amino acids after the frameshift. This variant is absent from gnomAD v[4.1.1] (PM2_Supporting). In summary, this variant meets the criteria to be classified as variant of uncertain significance based on the lack of ACMG/AMP criteria applied, as specified by the ClinGen Leukodystrophy and Leukoencephalopathy VCEP: PM2_Supporting (ClinGen Leukodystrophy and Leukoencephalopathy VCEP Specifications Version 1.0.0).

Labcorp Genetics (formerly Invitae), Labcorp
Classification: Uncertain significance. Last evaluated: 2022-07-01. Review status: criteria provided, single submitter. Criteria: Invitae Variant Classification Sherloc (09022015). Collection method: clinical testing. Allele origin: germline. Not counted in ClinVar's aggregate classification.
Comment: In summary, the available evidence is currently insufficient to determine the role of this variant in disease. Therefore, it has been classified as a Variant of Uncertain Significance. This variant has not been reported in the literature in individuals affected with GFAP-related conditions. This variant is not present in population databases (gnomAD no frequency). This sequence change creates a premature translational stop signal (p.Arg276Profs*24) in the GFAP gene. It is expected to result in an absent or disrupted protein product. However, the current clinical and genetic evidence is not sufficient to establish whether loss-of-function variants in GFAP cause disease.